The following is an entry in ClinVar:

NM_016169.4(SUFU):c.480T>C (p.His160=)

Gene: SUFU (SUFU negative regulator of hedgehog signaling; plus strand). Cytogenetic location: 10q24.32.
Variant type: single nucleotide variant.
Coding change: c.480T>C on transcript NM_016169.4 (MANE Select); coding-DNA position 480, T replaced by C.
Protein change: p.His160=; no amino-acid change (histidine 160 retained).
Molecular consequence: synonymous variant.
Genome position (GRCh38, 1-based): chr10:102,592,607, T>C. VCF-style: chr10-102592607-T-C. GRCh37 (hg19) VCF-style: chr10-104352364-T-C.
Other names: c.480T>C, p.His160= (NM_001178133.2).
Identifiers: ClinVar variation 1162119 (VCV001162119.16), dbSNP rs1308247295, ClinGen allele CA471298182.
Genomic context (GRCh38, chr10:102,592,607, plus strand): 5'-CTTGAACAATGAGGATCCTTGTATCTCTCCCACAGAGAACACCTTCTGCAGTGGGGACCA[T>C]GTGTCCTGGCACAGCCCTTTGGATAACAGTGAGTCAAGAATTCAGCACATGCTGCTGACA-3'
Protein context (NP_057253.2, residues 150-170): QSENTFCSGD[His160=]VSWHSPLDNS

ClinVar aggregate classification (germline): Likely benign. Review status: criteria provided, multiple submitters, no conflicts (2 of 4 stars). 3 submissions from 3 submitters: Likely benign (2). 1 of the submissions does not count toward it. Last evaluated 2023-06-30.

Conditions:
Hereditary cancer-predisposing syndrome. Also called: Neoplastic Syndromes, Hereditary; Hereditary Cancer Syndrome; Hereditary neoplastic syndrome; Tumor predisposition. Identifiers: Orphanet 140162, MedGen C0027672, MeSH D009386, MONDO:0015356.
SUFU-related disorder. Also called: SUFU-related condition; SUFU-related disorders.
Medulloblastoma (MDB). Also called: Medulloblastoma, somatic; MEDULLOBLASTOMA PREDISPOSITION SYNDROME. Identifiers: Orphanet 616, MedGen C0025149, MeSH D008527, MONDO:0007959, OMIM 155255, HP:0002885.
Gorlin syndrome. Also called: Nevoid Basal Cell Carcinoma Syndrome; Basal cell nevus syndrome. Identifiers: Orphanet 377, MedGen C0004779, MONDO:0007187.

Allele frequency attached by ClinVar (database versions not stated): gnomAD 0.00001.
gnomAD v4.1: 1 of 1,613,962 alleles (0.000062%); highest among the groups gnomAD compares: East Asian, 0.0022%; no homozygotes.

Submissions (3):

Labcorp Genetics (formerly Invitae), Labcorp
Classification: Likely benign for Gorlin syndrome; Medulloblastoma. Last evaluated: 2023-06-30. Review status: criteria provided, single submitter. Criteria: Invitae Variant Classification Sherloc (09022015). Collection method: clinical testing. Allele origin: germline.

Ambry Genetics
Classification: Likely benign for Hereditary cancer-predisposing syndrome. Last evaluated: 2019-10-12. Review status: criteria provided, single submitter. Criteria: Ambry Variant Classification Scheme 2023. Collection method: clinical testing. Allele origin: germline.

PreventionGenetics, part of Exact Sciences
Classification: Likely benign for SUFU-related condition. Last evaluated: 2022-04-21. Review status: no assertion criteria provided. Collection method: clinical testing. Allele origin: germline. Not counted in ClinVar's aggregate classification.
Comment: This variant is classified as likely benign based on ACMG/AMP sequence variant interpretation guidelines (Richards et al. 2015 PMID: 25741868, with internal and published modifications).